The following is an entry in ClinVar:

ClinVar aggregate classification (germline): Uncertain significance (1 of 4 stars; one submission).

Conditions:
Breast-ovarian cancer, familial, susceptibility to, 1 (BROVCA1). Also called: OVARIAN CANCER, SUSCEPTIBILITY TO; BRCA1 Hereditary Breast and Ovarian Cancer. Identifiers: Orphanet 145, MedGen C2676676, MONDO:0011450, OMIM 604370. Disease mechanism: loss of function.

Submission:

Institute of Immunology and Genetics Kaiserslautern
Classification: Uncertain significance for Breast-ovarian cancer, familial, susceptibility to, 1. Last evaluated: 2025-09-18. Review status: criteria provided, single submitter. Criteria: ACMG Guidelines, 2015. Collection method: clinical testing. Allele origin: germline. Affected: yes.
Comment: ACMG Criteria: PM2_P, BP4; Variant was found in heterozygous state.

NM_032043.3(BRIP1):c.23A>T (p.Tyr8Phe)

Gene: BRIP1 (BRCA1 interacting DNA helicase 1; minus strand). Cytogenetic location: 17q23.2.
Variant type: single nucleotide variant.
Coding change: c.23A>T on transcript NM_032043.3 (MANE Select); coding-DNA position 23, A replaced by T.
Protein change: p.Tyr8Phe; replaces tyrosine 8 with phenylalanine.
Molecular consequence: missense variant.
Genome position (GRCh38, 1-based): chr17:61,861,517, T>A on the plus strand (A>T on the coding strand, the complement: BRIP1 is on the minus strand). VCF-style: chr17-61861517-T-A. GRCh37 (hg19) VCF-style: chr17-59938878-T-A.
Other names: short protein forms Y8F.
Identifiers: ClinVar variation 4851434 (VCV004851434.1).